The following is an entry in ClinVar:

ClinVar aggregate classification (germline): Uncertain significance (1 of 4 stars; one submission).

Allele frequency attached by ClinVar (database versions not stated): gnomAD exomes below 0.00001.
gnomAD v4.1: 1 of 1,612,206 alleles (0.000062%); highest among the groups gnomAD compares: Non-Finnish European, 0.000085%; no homozygotes.

Submission:

Ambry Genetics
Classification: Uncertain significance. Last evaluated: 2023-04-17. Review status: criteria provided, single submitter. Criteria: Ambry Variant Classification Scheme 2023. Collection method: clinical testing. Allele origin: germline.
Comment: The c.515+3A>G intronic variant results from an A to G substitution 3 nucleotides after coding exon 4 in the RINT1 gene. This nucleotide position is highly conserved in available vertebrate species. In silico splice site analysis predicts that this alteration will not have any significant effect on splicing. The evidence for this gene-disease relationship is limited; therefore, the clinical significance of this alteration is unclear.

NM_021930.6(RINT1):c.515+3A>G

Gene: RINT1 (RAD50 interactor 1; plus strand). Cytogenetic location: 7q22.3.
Variant type: single nucleotide variant.
Coding change: c.515+3A>G on transcript NM_021930.6 (MANE Select); 3 bases into the intron after coding-DNA position 515, A replaced by G.
Molecular consequence: intron variant.
Genome position (GRCh38, 1-based): chr7:105,542,652, A>G. VCF-style: chr7-105542652-A-G. GRCh37 (hg19) VCF-style: chr7-105183099-A-G.
Other names: c.-505+3A>G (NM_001346600.2); c.-408+3A>G (NM_001346601.2); c.-28+3A>G (NM_001346603.2); c.281+3A>G (NM_001346599.2).
Identifiers: ClinVar variation 2560462 (VCV002560462.2), dbSNP rs1332078408, ClinGen allele CA577197768.